The following is an entry in ClinVar:

ClinVar aggregate classification (germline): Uncertain significance. Review status: criteria provided, multiple submitters, no conflicts (2 of 4 stars). 2 submissions from 2 submitters: Uncertain significance (2). Last evaluated 2022-01-05.

Conditions:
Hereditary cancer-predisposing syndrome. Also called: Neoplastic Syndromes, Hereditary; Hereditary Cancer Syndrome; Tumor predisposition; Hereditary neoplastic syndrome. Identifiers: Orphanet 140162, MedGen C0027672, MeSH D009386, MONDO:0015356.
Familial adenomatous polyposis 1 (FAP1). Also called: FAMILIAL ADENOMATOUS POLYPOSIS 1, ATTENUATED; POLYPOSIS, ADENOMATOUS INTESTINAL. Identifiers: MedGen C2713442, MONDO:0021056, OMIM 175100. Disease mechanism: loss of function.

Submissions (2):

Ambry Genetics
Classification: Uncertain significance for Hereditary cancer-predisposing syndrome. Last evaluated: 2022-01-05. Review status: criteria provided, single submitter. Criteria: Ambry Variant Classification Scheme 2023. Collection method: clinical testing. Allele origin: germline.
Comment: The p.M115K variant (also known as c.344T>A), located in coding exon 3 of the APC gene, results from a T to A substitution at nucleotide position 344. The methionine at codon 115 is replaced by lysine, an amino acid with similar properties. This amino acid position is conserved. In addition, in silico predictors for this gene do not accurately predict pathogenicity. Since supporting evidence is limited at this time, the clinical significance of this alteration remains unclear.

Labcorp Genetics (formerly Invitae), Labcorp
Classification: Uncertain significance for Familial adenomatous polyposis 1. Last evaluated: 2020-02-26. Review status: criteria provided, single submitter. Criteria: Invitae Variant Classification Sherloc (09022015). Collection method: clinical testing. Allele origin: germline.
Comment: In summary, the available evidence is currently insufficient to determine the role of this variant in disease. Therefore, it has been classified as a Variant of Uncertain Significance. Algorithms developed to predict the effect of sequence changes on RNA splicing suggest that this variant may create or strengthen a splice site, but this prediction has not been confirmed by published transcriptional studies. Algorithms developed to predict the effect of missense changes on protein structure and function are either unavailable or do not agree on the potential impact of this missense change (SIFT: "Deleterious"; PolyPhen-2: "Benign"; Align-GVGD: "Class C0"). This variant has not been reported in the literature in individuals with APC-related conditions. This variant is not present in population databases (ExAC no frequency). This sequence change replaces methionine with lysine at codon 115 of the APC protein (p.Met115Lys). The methionine residue is moderately conserved and there is a moderate physicochemical difference between methionine and lysine.

NM_000038.6(APC):c.344T>A (p.Met115Lys)

Gene: APC (APC regulator of Wnt signaling pathway; plus strand). Cytogenetic location: 5q22.2.
Variant type: single nucleotide variant.
Coding change: c.344T>A on transcript NM_000038.6 (MANE Select); coding-DNA position 344, T replaced by A.
Protein change: p.Met115Lys; replaces methionine 115 with lysine.
Molecular consequence: missense variant. On other transcripts: 5 prime UTR variant (1).
Genome position (GRCh38, 1-based): chr5:112,767,312, T>A. VCF-style: chr5-112767312-T-A. GRCh37 (hg19) VCF-style: chr5-112103009-T-A.
Other names: c.344T>A, p.Met115Lys (NM_001127510.3, NM_001354895.2, NM_001354896.2 and 2 more transcripts); c.374T>A, p.Met125Lys (NM_001127511.3, NM_001354897.2, NM_001354902.2); c.269T>A, p.Met90Lys (NM_001354898.2, NM_001354904.2); c.167T>A, p.Met56Lys (NM_001354900.2, NM_001354901.2, NM_001354905.2); c.-692T>A (NM_001354906.2); short protein forms M125K, M115K, M90K, M56K.
Identifiers: ClinVar variation 1037815 (VCV001037815.50), dbSNP rs1756462909, ClinGen allele CA16022071.
Genomic context (GRCh38, chr5:112,767,312, plus strand): 5'-CTTATGGAAGCCGGGAAGGATCTGTATCAAGCCGTTCTGGAGAGTGCAGTCCTGTTCCTA[T>A]GGGTTCATTTCCAAGAAGAGGGTTTGTAAATGGAAGCAGAGAAAGTACTGGATATTTAGA-3'
Protein context (NP_000029.2, residues 105-125): SRSGECSPVP[Met115Lys]GSFPRRGFVN